The following is an entry in ClinVar:

ClinVar aggregate classification (germline): Pathogenic (1 of 4 stars; one submission).

Conditions:
Acrocallosal syndrome (ACLS). Also called: HALLUX DUPLICATION, POSTAXIAL POLYDACTYLY, AND ABSENCE OF CORPUS CALLOSUM; Schinzel syndrome 1; Absence of corpus callosum with unusual facial appearance, mental deficiency, duplication of the halluces and polydactyly. Identifiers: Orphanet 36, MedGen C0796147, MONDO:0008708, OMIM 200990.

Submission:

Labcorp Genetics (formerly Invitae), Labcorp
Classification: Pathogenic for Acrocallosal syndrome. Last evaluated: 2021-09-06. Review status: criteria provided, single submitter. Criteria: Invitae Variant Classification Sherloc (09022015). Collection method: clinical testing. Allele origin: germline.
Comment: For these reasons, this variant has been classified as Pathogenic. This variant has not been reported in the literature in individuals affected with KIF7-related conditions. This variant is a gross deletion of the genomic region encompassing exon(s) 2-12 of the KIF7 gene, which includes the initiator codon. This deletion extends beyond the assayed region for this gene and therefore may encompass additional genes. It is expected to result in an absent or disrupted protein product. Loss-of-function variants in KIF7 are known to be pathogenic (PMID: 19666503, 21552264, 21633164, 26648833).

Literature cited by the submitters: PubMed 19666503; PubMed 21552264; PubMed 21633164; PubMed 26648833.

NC_000015.9:g.(?_90176897)_(90196161_?)del

Gene: KIF7 (kinesin family member 7; minus strand). Cytogenetic location: 15q26.1.
Variant type: Deletion.
Identifiers: ClinVar variation 1458781 (VCV001458781.4).